The following is an entry in ClinVar:

ClinVar aggregate classification (germline): Uncertain significance (1 of 4 stars; one submission).

Conditions:
DYRK1A-related intellectual disability syndrome (MRD7). Also called: Intellectual developmental disorder, autosomal dominant 7; DYRK1A Syndrome. Identifiers: Orphanet 464306, MedGen C5568143, MONDO:0013578, OMIM 614104.

Submission:

Labcorp Genetics (formerly Invitae), Labcorp
Classification: Uncertain significance for DYRK1A-related intellectual disability syndrome. Last evaluated: 2022-01-14. Review status: criteria provided, single submitter. Criteria: Invitae Variant Classification Sherloc (09022015). Collection method: clinical testing. Allele origin: germline.
Comment: This sequence change replaces valine, which is neutral and non-polar, with alanine, which is neutral and non-polar, at codon 493 of the DYRK1A protein (p.Val493Ala). This variant is not present in population databases (gnomAD no frequency). This variant has not been reported in the literature in individuals affected with DYRK1A-related conditions. Advanced modeling of protein sequence and biophysical properties (such as structural, functional, and spatial information, amino acid conservation, physicochemical variation, residue mobility, and thermodynamic stability) performed at Invitae indicates that this missense variant is not expected to disrupt DYRK1A protein function. In summary, the available evidence is currently insufficient to determine the role of this variant in disease. Therefore, it has been classified as a Variant of Uncertain Significance.

NM_001347721.2(DYRK1A):c.1451T>C (p.Val484Ala)

Gene: DYRK1A (dual specificity tyrosine phosphorylation regulated kinase 1A; plus strand). Cytogenetic location: 21q22.13.
Variant type: single nucleotide variant.
Coding change: c.1451T>C on transcript NM_001347721.2 (MANE Select); coding-DNA position 1451, T replaced by C.
Protein change: p.Val484Ala; replaces valine 484 with alanine.
Molecular consequence: missense variant.
Genome position (GRCh38, 1-based): chr21:37,505,521, T>C. VCF-style: chr21-37505521-T-C. GRCh37 (hg19) VCF-style: chr21-38877824-T-C.
Other names: c.1451T>C, p.Val484Ala (NM_001347722.2, NM_130436.2); c.1364T>C, p.Val455Ala (NM_001347723.2); c.1478T>C, p.Val493Ala (NM_001396.5, NM_101395.2, NM_130438.2); short protein forms V484A, V455A, V493A.
Identifiers: ClinVar variation 1368206 (VCV001368206.8), dbSNP rs2148650151, ClinGen allele CA409938627.